The following is an entry in ClinVar:

ClinVar aggregate classification (germline): Conflicting classifications of pathogenicity. Review status: criteria provided, conflicting classifications (1 of 4 stars). 5 submissions from 5 submitters: Uncertain significance (4); Likely benign (1). Last evaluated 2025-07-24.

Conditions:
Renal cell carcinoma. Identifiers: Orphanet 217071, MedGen C0007134, MeSH D002292, MONDO:0005086, HP:0005584.
Hereditary cancer-predisposing syndrome. Also called: Neoplastic Syndromes, Hereditary; Hereditary Cancer Syndrome; Tumor predisposition; Hereditary neoplastic syndrome. Identifiers: Orphanet 140162, MedGen C0027672, MeSH D009386, MONDO:0015356.
Autosomal recessive nonsyndromic hearing loss 97. Also called: Deafness, autosomal recessive 97. Identifiers: Orphanet 90636, MedGen C4084709, MONDO:0014739, OMIM 616705.

Allele frequency attached by ClinVar (database versions not stated): gnomAD exomes below 0.00001 and 0.00001; ExAC 0.00001.
gnomAD v4.1: 5 of 1,613,906 alleles (0.00031%); highest among the groups gnomAD compares: Admixed American, 0.005%; no homozygotes.

Submissions (5):

Quest Diagnostics Nichols Institute San Juan Capistrano
Classification: Uncertain significance. Last evaluated: 2025-07-24. Review status: criteria provided, single submitter. Criteria: Quest Diagnostics criteria. Collection method: clinical testing. Allele origin: unknown.

Labcorp Genetics (formerly Invitae), Labcorp
Classification: Uncertain significance for Renal cell carcinoma. Last evaluated: 2025-07-21. Review status: criteria provided, single submitter. Criteria: Invitae Variant Classification Sherloc (09022015). Collection method: clinical testing. Allele origin: germline.
Comment: This sequence change replaces glycine, which is neutral and non-polar, with arginine, which is basic and polar, at codon 181 of the MET protein (p.Gly181Arg). This variant is present in population databases (rs779040487, gnomAD 0.009%). This variant has not been reported in the literature in individuals affected with MET-related conditions. ClinVar contains an entry for this variant (Variation ID: 853501). Invitae Evidence Modeling of protein sequence and biophysical properties (such as structural, functional, and spatial information, amino acid conservation, physicochemical variation, residue mobility, and thermodynamic stability) indicates that this missense variant is expected to disrupt MET protein function with a positive predictive value of 80%. In summary, the available evidence is currently insufficient to determine the role of this variant in disease. Therefore, it has been classified as a Variant of Uncertain Significance.

GeneDx
Classification: Uncertain significance. Last evaluated: 2024-03-20. Review status: criteria provided, single submitter. Criteria: GeneDx Variant Classification Process June 2021. Collection method: clinical testing. Allele origin: germline. Affected: yes.
Comment: Not observed at significant frequency in large population cohorts (gnomAD); In silico analysis supports that this missense variant has a deleterious effect on protein structure/function; Has not been previously published as pathogenic or benign to our knowledge

Ambry Genetics
Classification: Likely benign for Hereditary cancer-predisposing syndrome. Last evaluated: 2023-11-29. Review status: criteria provided, single submitter. Criteria: Ambry Variant Classification Scheme 2023. Collection method: clinical testing. Allele origin: germline.

Baylor Genetics
Classification: Uncertain significance for Autosomal recessive nonsyndromic hearing loss 97. Last evaluated: 2023-08-31. Review status: criteria provided, single submitter. Criteria: ACMG Guidelines, 2015. Collection method: clinical testing. Allele origin: unknown.

NM_000245.4(MET):c.541G>A (p.Gly181Arg)

Gene: MET (MET proto-oncogene, receptor tyrosine kinase; plus strand). Cytogenetic location: 7q31.2.
Variant type: single nucleotide variant.
Coding change: c.541G>A on transcript NM_000245.4 (MANE Select); coding-DNA position 541, G replaced by A.
Protein change: p.Gly181Arg; replaces glycine 181 with arginine.
Molecular consequence: missense variant. On other transcripts: intron variant (1).
Genome position (GRCh38, 1-based): chr7:116,699,625, G>A. VCF-style: chr7-116699625-G-A. GRCh37 (hg19) VCF-style: chr7-116339679-G-A.
Other names: c.541G>A (NM_001127500.2); c.541G>A, p.Gly181Arg (NM_001127500.3, NM_001324401.3); c.-91+27048G>A (NM_001324402.2); short protein forms G181R.
Identifiers: ClinVar variation 853501 (VCV000853501.13), dbSNP rs779040487, ClinGen allele CA4448003.
Genomic context (GRCh38, chr7:116,699,625, plus strand): 5'-ATATTCTCCCCACAGATAGAAGAGCCCAGCCAGTGTCCTGACTGTGTGGTGAGCGCCCTG[G>A]GAGCCAAAGTCCTTTCATCTGTAAAGGACCGGTTCATCAACTTCTTTGTAGGCAATACCA-3'
Protein context (NP_000236.2, residues 171-191): QCPDCVVSAL[Gly181Arg]AKVLSSVKDR